The following is an entry in ClinVar:

NM_002547.3(OPHN1):c.237T>C (p.Asp79=)

Gene: OPHN1 (oligophrenin 1; minus strand). Cytogenetic location: Xq12.
Variant type: single nucleotide variant.
Coding change: c.237T>C on transcript NM_002547.3 (MANE Select); coding-DNA position 237, T replaced by C.
Protein change: p.Asp79=; no amino-acid change (aspartic acid 79 retained).
Molecular consequence: synonymous variant.
Genome position (GRCh38, 1-based): chrX:68,299,014, A>G on the plus strand (T>C on the coding strand, the complement: OPHN1 is on the minus strand). VCF-style: chrX-68299014-A-G. GRCh37 (hg19) VCF-style: chrX-67518856-A-G.
Identifiers: ClinVar variation 707725 (VCV000707725.35), dbSNP rs143062911, ClinGen allele CA10437170.

ClinVar aggregate classification (germline): Benign/Likely benign. Review status: criteria provided, multiple submitters, no conflicts (2 of 4 stars). 6 submissions from 6 submitters: Benign (3); Likely benign (2). 1 of the submissions does not count toward it. Last evaluated 2026-05-07.

Conditions:
OPHN1-related disorder.
Intellectual developmental disorder, X-linked, syndromic, Billuart type. Also called: MENTAL RETARDATION, X-LINKED 60; X-linked intellectual disability-cerebellar hypoplasia syndrome. Identifiers: Orphanet 137831, MedGen C1845366, MONDO:0010337, OMIM 300486.

Allele frequency attached by ClinVar (database versions not stated): gnomAD 0.00052 and 0.00060; ESP Exome Variant Server 0.00057; 1000 Genomes Project 0.00132; gnomAD exomes 0.00007 and 0.00020; TOPMed 0.00061; ExAC 0.00025; 1000 Genomes Project 30x 0.00125.
gnomAD v4.1: 138 of 1,179,997 alleles (0.012%); highest among the groups gnomAD compares: African/African-American, 0.2%; no homozygotes.

Submissions (6):

Women's Health and Genetics/Laboratory Corporation of America, LabCorp
Classification: Likely benign. Last evaluated: 2026-05-07. Review status: criteria provided, single submitter. Criteria: LabCorp Variant Classification Summary - May 2015. Collection method: clinical testing. Allele origin: germline.

Labcorp Genetics (formerly Invitae), Labcorp
Classification: Benign. Last evaluated: 2025-09-05. Review status: criteria provided, single submitter. Criteria: Invitae Variant Classification Sherloc (09022015). Collection method: clinical testing. Allele origin: germline.

ARUP Laboratories, Molecular Genetics and Genomics, ARUP Laboratories
Classification: Benign for Intellectual developmental disorder, X-linked, syndromic, Billuart type. Last evaluated: 2025-03-13. Review status: criteria provided, single submitter. Criteria: ARUP Molecular Germline Variant Investigation Process 2024. Collection method: clinical testing. Allele origin: germline.

CeGaT Center for Human Genetics Tuebingen
Classification: Likely benign. Last evaluated: 2024-02-01. Review status: criteria provided, single submitter. Criteria: CeGaT Center For Human Genetics Tuebingen Variant Classification Criteria Version 2. Collection method: clinical testing. Allele origin: germline. Affected: yes. Observed: 3 variant alleles.
Comment: OPHN1: BP4, BP7, BS2

GeneDx
Classification: Benign. Last evaluated: 2019-12-10. Review status: criteria provided, single submitter. Criteria: GeneDx Variant Classification Process June 2021. Collection method: clinical testing. Allele origin: germline. Affected: yes.

PreventionGenetics, part of Exact Sciences
Classification: Likely benign for OPHN1-related condition. Last evaluated: 2021-09-30. Review status: no assertion criteria provided. Collection method: clinical testing. Allele origin: germline. Not counted in ClinVar's aggregate classification.
Comment: This variant is classified as likely benign based on ACMG/AMP sequence variant interpretation guidelines (Richards et al. 2015 PMID: 25741868, with internal and published modifications).